The following is an entry in ClinVar:

ClinVar aggregate classification (germline): Pathogenic (1 of 4 stars; one submission).

Conditions:
Hereditary cancer-predisposing syndrome. Also called: Neoplastic Syndromes, Hereditary; Tumor predisposition; Hereditary Cancer Syndrome; Hereditary neoplastic syndrome. Identifiers: Orphanet 140162, MedGen C0027672, MeSH D009386, MONDO:0015356.

Submission:

Ambry Genetics
Classification: Pathogenic for Hereditary cancer-predisposing syndrome. Last evaluated: 2026-01-23. Review status: criteria provided, single submitter. Criteria: Ambry Variant Classification Scheme 2023. Collection method: clinical testing. Allele origin: germline.
Comment: The p.L254* pathogenic mutation (also known as c.761T>G), located in coding exon 6 of the ATM gene, results from a T to G substitution at nucleotide position 761. This changes the amino acid from a leucine to a stop codon within coding exon 6. This variant is considered to be rare based on population cohorts in the Genome Aggregation Database (gnomAD). This alteration is expected to result in loss of function by premature protein truncation or nonsense-mediated mRNA decay. As such, this alteration is interpreted as a disease-causing mutation.

NM_000051.4(ATM):c.761T>G (p.Leu254Ter)

Gene: ATM (ATM serine/threonine kinase; plus strand). Cytogenetic location: 11q22.3.
Variant type: single nucleotide variant.
Coding change: c.761T>G on transcript NM_000051.4 (MANE Select); coding-DNA position 761, T replaced by G.
Protein change: p.Leu254Ter; replaces leucine 254 with a stop codon.
Molecular consequence: nonsense.
Genome position (GRCh38, 1-based): chr11:108,244,886, T>G. VCF-style: chr11-108244886-T-G. GRCh37 (hg19) VCF-style: chr11-108115613-T-G.
Other names: c.761T>G, p.Leu254Ter (NM_001351834.2); short protein forms L254*.
Identifiers: ClinVar variation 4825492 (VCV004825492.1).